The following is an entry in ClinVar:

ClinVar aggregate classification (germline): Uncertain significance (1 of 4 stars; one submission).

gnomAD v4.1: 10 of 1,614,114 alleles (0.00062%); highest among the groups gnomAD compares: Non-Finnish European, 0.00085%; no homozygotes.

Submission:

Labcorp Genetics (formerly Invitae), Labcorp
Classification: Uncertain significance. Last evaluated: 2025-07-21. Review status: criteria provided, single submitter. Criteria: Invitae Variant Classification Sherloc (09022015). Collection method: clinical testing. Allele origin: germline.
Comment: This sequence change replaces asparagine, which is neutral and polar, with aspartic acid, which is acidic and polar, at codon 151 of the HNF4A protein (p.Asn151Asp). This variant is present in population databases (rs763010207, gnomAD 0.002%). This variant has not been reported in the literature in individuals affected with HNF4A-related conditions. Invitae Evidence Modeling of protein sequence and biophysical properties (such as structural, functional, and spatial information, amino acid conservation, physicochemical variation, residue mobility, and thermodynamic stability) has been performed for this missense variant. However, the output from this modeling did not meet the statistical confidence thresholds required to predict the impact of this variant on HNF4A protein function. In summary, the available evidence is currently insufficient to determine the role of this variant in disease. Therefore, it has been classified as a Variant of Uncertain Significance.

NM_175914.5(HNF4A):c.451A>G (p.Asn151Asp)

Gene: HNF4A (hepatocyte nuclear factor 4 alpha; plus strand). Cytogenetic location: 20q13.12.
Variant type: single nucleotide variant.
Coding change: c.451A>G on transcript NM_175914.5 (MANE Select); coding-DNA position 451, A replaced by G.
Protein change: p.Asn151Asp; replaces asparagine 151 with aspartic acid.
Molecular consequence: missense variant.
Genome position (GRCh38, 1-based): chr20:44,414,531, A>G. VCF-style: chr20-44414531-A-G. GRCh37 (hg19) VCF-style: chr20-43043171-A-G.
Other names: c.517A>G, p.Asn173Asp (NM_000457.6, NM_178849.3, NM_178850.3); c.451A>G, p.Asn151Asp (NM_001030003.3, NM_001030004.3); c.496A>G, p.Asn166Asp (NM_001258355.2); c.442A>G, p.Asn148Asp (NM_001287182.2, NM_001287183.2, NM_001287184.2); short protein forms N148D, N151D, N166D, N173D.
Identifiers: ClinVar variation 4802058 (VCV004802058.1).